The following is an entry in ClinVar:

ClinVar aggregate classification (germline): Uncertain significance (1 of 4 stars; one submission).

Conditions:
Dilated cardiomyopathy 1G (CMD1G). Identifiers: Orphanet 154, MedGen C1858763, MONDO:0011400, OMIM 604145.
Autosomal recessive limb-girdle muscular dystrophy type 2J (LGMDR10). Also called: Limb-girdle muscular dystrophy, type 2J; MUSCULAR DYSTROPHY, LIMB-GIRDLE, AUTOSOMAL RECESSIVE 10. Identifiers: Orphanet 140922, MedGen C1837342, MONDO:0012127, OMIM 608807.

Submission:

Labcorp Genetics (formerly Invitae), Labcorp
Classification: Uncertain significance for Dilated cardiomyopathy 1G; Autosomal recessive limb-girdle muscular dystrophy type 2J. Last evaluated: 2024-06-17. Review status: criteria provided, single submitter. Criteria: Invitae Variant Classification Sherloc (09022015). Collection method: clinical testing. Allele origin: germline.
Comment: This sequence change replaces asparagine, which is neutral and polar, with threonine, which is neutral and polar, at codon 35763 of the TTN protein (p.Asn35763Thr). This variant is not present in population databases (gnomAD no frequency). This variant has not been reported in the literature in individuals affected with TTN-related conditions. ClinVar contains an entry for this variant (Variation ID: 855955). Experimental studies and prediction algorithms are not available or were not evaluated, and the functional significance of this variant is currently unknown. This variant is located in the M band of TTN (PMID: 25589632). Non-truncating variants in this region may be relevant for neuromuscular disorders, but have not been definitively shown to cause cardiomyopathy (PMID: 23975875). In summary, the available evidence is currently insufficient to determine the role of this variant in disease. Therefore, it has been classified as a Variant of Uncertain Significance.

Literature cited by the submitters: PubMed 25589632; PubMed 23975875.

NM_001267550.2(TTN):c.107288A>C (p.Asn35763Thr)

Genes: TTN-AS1 (TTN antisense RNA 1; plus strand), TTN (titin; minus strand). Cytogenetic location: 2q31.2.
Variant type: single nucleotide variant.
Coding change: c.107288A>C on transcript NM_001267550.2 (MANE Select); coding-DNA position 107288, A replaced by C.
Protein change: p.Asn35763Thr; replaces asparagine 35763 with threonine.
Molecular consequence: missense variant.
Genome position (GRCh38, 1-based): chr2:178,528,363, T>G on the plus strand (A>C on the coding strand, the complement: TTN is on the minus strand). VCF-style: chr2-178528363-T-G. GRCh37 (hg19) VCF-style: chr2-179393090-T-G.
Other names: c.102365A>C, p.Asn34122Thr (NM_001256850.1); c.80093A>C, p.Asn26698Thr (NM_003319.4); c.99584A>C, p.Asn33195Thr (NM_133378.4); c.80468A>C, p.Asn26823Thr (NM_133432.3); c.80669A>C, p.Asn26890Thr (NM_133437.4); short protein forms N33195T, N35763T, N26698T, N26823T, N26890T, N34122T.
Identifiers: ClinVar variation 855955 (VCV000855955.8), dbSNP rs1687455146, ClinGen allele CA349401406.
Genomic context (GRCh38, chr2:178,528,363, plus strand): 5'-CACTGGCCACGGAAATTTTTGGCCTTAATTGTGTACTTTCCACTGTCGCTGACTGATGCA[T>G]TTCGGATTTCAAGGGAGTATACATTTCTGGAGCGGCTTATGCTGACATTTGAAGAAATAG-3'
Protein context (NP_001254479.2, residues 35753-35773): SRNVYSLEIR[Asn35763Thr]ASVSDSGKYT